The following is an entry in ClinVar:

NM_000384.3(APOB):c.5902G>C (p.Val1968Leu)

Gene: APOB (apolipoprotein B; minus strand). Cytogenetic location: 2p24.1.
Variant type: single nucleotide variant.
Coding change: c.5902G>C on transcript NM_000384.3 (MANE Select); coding-DNA position 5902, G replaced by C.
Protein change: p.Val1968Leu; replaces valine 1968 with leucine.
Molecular consequence: missense variant.
Genome position (GRCh38, 1-based): chr2:21,010,966, C>G on the plus strand (G>C on the coding strand, the complement: APOB is on the minus strand). VCF-style: chr2-21010966-C-G. GRCh37 (hg19) VCF-style: chr2-21233838-C-G.
Other names: short protein forms V1968L.
Identifiers: ClinVar variation 2565847 (VCV002565847.2), dbSNP rs774625878, ClinGen allele CA346003730.

ClinVar aggregate classification (germline): Uncertain significance (1 of 4 stars; one submission).

Conditions:
Cardiovascular phenotype. Identifiers: MedGen CN230736.

Submission:

Ambry Genetics
Classification: Uncertain significance for Cardiovascular phenotype. Last evaluated: 2023-04-13. Review status: criteria provided, single submitter. Criteria: Ambry Variant Classification Scheme 2023. Collection method: clinical testing. Allele origin: germline.
Comment: The p.V1968L variant (also known as c.5902G>C), located in coding exon 26 of the APOB gene, results from a G to C substitution at nucleotide position 5902. The valine at codon 1968 is replaced by leucine, an amino acid with highly similar properties. This amino acid position is conserved. In addition, this alteration is predicted to be tolerated by in silico analysis. Since supporting evidence is limited at this time, the clinical significance of this alteration remains unclear.